The following is an entry in ClinVar:

NM_001128227.2(GNE):c.-109_-107dupCTG

Gene: GNE (glucosamine (UDP-N-acetyl)-2-epimerase/N-acetylmannosamine kinase; minus strand). Cytogenetic location: 9p13.3.
Variant type: Duplication.
Coding change: c.-109_-107dupCTG on transcript NM_001128227.2; 109 bases upstream of the start codon through 107 bases upstream of the start codon, 3 bases duplicated (CTG).
Genome position (GRCh38, 1-based): chr9:36,277,051-36,277,053, CAG duplicated on the plus strand (CTG on the coding strand, the reverse complement: GNE is on the minus strand). VCF-style (leftmost placement, unchanged base first): chr9-36277050-C-CCAG. GRCh37 (hg19) VCF-style: chr9-36277047-C-CCAG.
Identifiers: ClinVar variation 3057597 (VCV003057597.2), dbSNP rs2489934084, ClinGen allele CA464494530.
Genomic context (GRCh38, chr9:36,277,050, plus strand): 5'-CAGAGCAGCTGTTTTCTTGGTTTAGCTGCCACGGAGCAGTCACCAATAGGCATCTGAATT[C>CCAG]CAGACTAAATCGTAAGCCCCACCTCTCTGAAAAGGAAGAAAAAAAATGTGGCTCTGAATT-3'

ClinVar aggregate classification (germline): Likely benign (0 of 4 stars; one submission).

Conditions:
GNE-related disorder. Also called: GNE-related condition.

Allele frequency attached by ClinVar (database versions not stated): gnomAD exomes 0.00003.

Submission:

PreventionGenetics, part of Exact Sciences
Classification: Likely benign for GNE-related condition. Last evaluated: 2023-02-28. Review status: no assertion criteria provided. Collection method: clinical testing. Allele origin: germline.
Comment: This variant is classified as likely benign based on ACMG/AMP sequence variant interpretation guidelines (Richards et al. 2015 PMID: 25741868, with internal and published modifications).